The following is an entry in ClinVar:

NM_000059.4(BRCA2):c.1413GCA[3] (p.Gln472_His473insGln)

Gene: BRCA2 (BRCA2 DNA repair associated; plus strand). Cytogenetic location: 13q13.1.
Variant type: Microsatellite.
Coding change: c.1413GCA[3] on transcript NM_000059.4 (MANE Select); three copies in a row of the 3-base unit GCA starting at c.1413; the reference has two copies in a row; one copy, 3 bases duplicated.
Protein change: p.Gln472_His473insGln.
Molecular consequence: inframe indel (on NM_000059.3). On other transcripts: non-coding transcript variant (1), intron variant (1).
Genome position (GRCh38, 1-based): chr13:32,332,894-32,332,896, GCA duplicated; duplicating any 3 consecutive bases within chr13:32,332,890-32,332,896 gives the same sequence; the position shown is the placement nearest the transcript's 3' end. VCF-style (leftmost placement, unchanged base first): chr13-32332889-G-GAGC. GRCh37 (hg19) VCF-style: chr13-32907026-G-GAGC.
Other names: c.1413_1415GCA[3], p.Gln472_His473insGln (NM_000059.3); c.1413GCA[3], p.Gln472_His473insGln (NM_001406719.1, NM_001406720.1, NM_001406721.1 and 1 more transcripts); c.424+1860AGC[3] (NM_001406722.1); c.1416_1418dupGCA (NM_000059.3).
Identifiers: ClinVar variation 3482191 (VCV003482191.1).

ClinVar aggregate classification (germline): Uncertain significance (1 of 4 stars; one submission).

Conditions:
Hereditary cancer-predisposing syndrome. Also called: Tumor predisposition; Neoplastic Syndromes, Hereditary; Hereditary Cancer Syndrome; Hereditary neoplastic syndrome. Identifiers: Orphanet 140162, MedGen C0027672, MeSH D009386, MONDO:0015356.

Submission:

Ambry Genetics
Classification: Uncertain significance for Hereditary cancer-predisposing syndrome. Last evaluated: 2024-11-27. Review status: criteria provided, single submitter. Criteria: Ambry Variant Classification Scheme 2023. Collection method: clinical testing. Allele origin: germline.
Comment: The c.1416_1418dupGCA variant (also known as p.Q472dup), located in coding exon 9 of the BRCA2 gene, results from an in-frame duplication of GCA at nucleotide positions 1416 to 1418. This results in the duplication of a glutamine residue at codon 472. This amino acid position is not well conserved in available vertebrate species. In addition, this alteration is predicted to be neutral by in silico analysis (Choi Y et al. PLoS ONE. 2012; 7(10):e46688). Based on the available evidence, the clinical significance of this variant remains unclear.